The following is an entry in ClinVar:

NM_000069.3(CACNA1S):c.2695C>G (p.Leu899Val)

Gene: CACNA1S (calcium voltage-gated channel subunit alpha1 S; minus strand). Cytogenetic location: 1q32.1.
Variant type: single nucleotide variant.
Coding change: c.2695C>G on transcript NM_000069.3 (MANE Select); coding-DNA position 2695, C replaced by G.
Protein change: p.Leu899Val; replaces leucine 899 with valine.
Molecular consequence: missense variant.
Genome position (GRCh38, 1-based): chr1:201,066,279, G>C on the plus strand (C>G on the coding strand, the complement: CACNA1S is on the minus strand). VCF-style: chr1-201066279-G-C. GRCh37 (hg19) VCF-style: chr1-201035407-G-C.
Other names: short protein forms L899V.
Identifiers: ClinVar variation 4756755 (VCV004756755.1).

ClinVar aggregate classification (germline): Uncertain significance (1 of 4 stars; one submission).

Conditions:
Malignant hyperthermia, susceptibility to, 5 (MHS5). Also called: CACNA1S-Related Malignant Hyperthermia Susceptibility. Identifiers: Orphanet 423, MedGen C1866077, MONDO:0011163, OMIM 601887.

Submission:

Color Diagnostics, LLC DBA Color Health
Classification: Uncertain significance for Malignant hyperthermia, susceptibility to, 5. Last evaluated: 2025-07-08. Review status: criteria provided, single submitter. Criteria: ACMG Guidelines, 2015. Collection method: clinical testing. Allele origin: germline.
Comment: This missense variant replaces leucine with valine at codon 899 of the CACNA1S protein. Computational prediction suggests that this variant may have deleterious impact on protein structure and function. To our knowledge, functional studies have not been reported for this variant. This variant has not been reported in individuals affected with CACNA1S-related disorders in the literature. This variant has been identified in 1/250802 chromosomes in the general population by the Genome Aggregation Database (gnomAD). The available evidence is insufficient to determine the role of this variant in disease conclusively. Therefore, this variant is classified as a Variant of Uncertain Significance.